The following is an entry in ClinVar:

NM_080473.5(GATA5):c.1153del (p.Ala385fs)

Gene: GATA5 (GATA binding protein 5; minus strand). Cytogenetic location: 20q13.33.
Variant type: Deletion.
Coding change: c.1153del on transcript NM_080473.5 (MANE Select); coding-DNA position 1153, one base deleted (G; older notation c.1153delG).
Protein change: p.Ala385fs; shifts the reading frame from alanine 385.
Molecular consequence: frameshift variant.
Genome position (GRCh38, 1-based): chr20:62,464,877, C deleted on the plus strand (G on the coding strand, the reverse complement: GATA5 is on the minus strand); the first of 6 consecutive C bases (chr20:62,464,877-62,464,882); deleting any one gives the same sequence. VCF-style (leftmost placement, unchanged base first): chr20-62464876-GC-G. GRCh37 (hg19) VCF-style: chr20-61039932-GC-G.
Other names: short protein forms A385fs.
Identifiers: ClinVar variation 3613660 (VCV003613660.2).

ClinVar aggregate classification (germline): Uncertain significance (1 of 4 stars; one submission).

Submission:

Labcorp Genetics (formerly Invitae), Labcorp
Classification: Uncertain significance. Last evaluated: 2024-09-13. Review status: criteria provided, single submitter. Criteria: Invitae Variant Classification Sherloc (09022015). Collection method: clinical testing. Allele origin: germline.
Comment: This sequence change results in a frameshift in the GATA5 gene (p.Ala385Leufs*80). While this is not anticipated to result in nonsense mediated decay, it is expected to disrupt the last 13 amino acid(s) of the GATA5 protein and extend the protein by 66 additional amino acid residues. The frequency data for this variant in the population databases is considered unreliable, as metrics indicate poor data quality at this position in the gnomAD database. This variant has not been reported in the literature in individuals affected with GATA5-related conditions. Experimental studies and prediction algorithms are not available or were not evaluated, and the functional significance of this variant is currently unknown. In summary, the available evidence is currently insufficient to determine the role of this variant in disease. Therefore, it has been classified as a Variant of Uncertain Significance.